The following is an entry in ClinVar:

NM_006348.5(COG5):c.1476T>C (p.Ser492=)

Gene: COG5 (component of oligomeric golgi complex 5; minus strand). Cytogenetic location: 7q22.3.
Variant type: single nucleotide variant.
Coding change: c.1476T>C on transcript NM_006348.5 (MANE Select); coding-DNA position 1476, T replaced by C.
Protein change: p.Ser492=; no amino-acid change (serine 492 retained).
Molecular consequence: synonymous variant.
Genome position (GRCh38, 1-based): chr7:107,281,399, A>G on the plus strand (T>C on the coding strand, the complement: COG5 is on the minus strand). VCF-style: chr7-107281399-A-G. GRCh37 (hg19) VCF-style: chr7-106921844-A-G.
Other names: c.1569T>C (NM_006348.3); c.1476T>C, p.Ser492= (NM_001161520.2, NM_001379512.1, NM_001379513.1 and 2 more transcripts); c.1314T>C, p.Asp438= (NM_001379511.1); c.906T>C, p.Ser302= (NM_001379515.1); c.762T>C, p.Ser254= (NM_001379516.1).
Identifiers: ClinVar variation 1406610 (VCV001406610.5), dbSNP rs201478249, ClinGen allele CA4430892.

ClinVar aggregate classification (germline): Uncertain significance. Review status: criteria provided, single submitter (1 of 4 stars). 2 submissions from 2 submitters: Uncertain significance (1). 1 of the submissions does not count toward it. Last evaluated 2022-09-12.

Conditions:
COG5-congenital disorder of glycosylation. Also called: CONGENITAL DISORDER OF GLYCOSYLATION, TYPE IIi; CDG IIi; COG5-CDG. Identifiers: Orphanet 263487, MedGen C3150876, MONDO:0013325, OMIM 613612.
COG5-related disorder. Also called: COG5-related condition.

Allele frequency attached by ClinVar (database versions not stated): gnomAD exomes 0.00002 and 0.00007; gnomAD 0.00006 and 0.00007; TOPMed 0.00008; ExAC 0.00009.
gnomAD v4.1: 34 of 1,609,058 alleles (0.0021%); highest among the groups gnomAD compares: Admixed American, 0.03%; no homozygotes.

Submissions (2):

Labcorp Genetics (formerly Invitae), Labcorp
Classification: Uncertain significance for COG5-congenital disorder of glycosylation. Last evaluated: 2022-09-12. Review status: criteria provided, single submitter. Criteria: Invitae Variant Classification Sherloc (09022015). Collection method: clinical testing. Allele origin: germline.
Comment: This sequence change affects codon 523 of the COG5 mRNA. It is a 'silent' change, meaning that it does not change the encoded amino acid sequence of the COG5 protein. It affects a nucleotide within the consensus splice site. This variant is present in population databases (rs201478249, gnomAD 0.04%). This variant has not been reported in the literature in individuals affected with COG5-related conditions. ClinVar contains an entry for this variant (Variation ID: 1406610). Algorithms developed to predict the effect of sequence changes on RNA splicing suggest that this variant is not likely to affect RNA splicing. In summary, the available evidence is currently insufficient to determine the role of this variant in disease. Therefore, it has been classified as a Variant of Uncertain Significance.

PreventionGenetics, part of Exact Sciences
Classification: Likely benign for COG5-related condition. Last evaluated: 2021-06-16. Review status: no assertion criteria provided. Collection method: clinical testing. Allele origin: germline. Not counted in ClinVar's aggregate classification.
Comment: This variant is classified as likely benign based on ACMG/AMP sequence variant interpretation guidelines (Richards et al. 2015 PMID: 25741868, with internal and published modifications).